The following is an entry in ClinVar:

ClinVar aggregate classification (germline): Uncertain significance (1 of 4 stars; one submission).

Conditions:
Developmental and epileptic encephalopathy, 12 (DEE12). Identifiers: MedGen C3150988, MONDO:0013389, OMIM 613722.

Allele frequency attached by ClinVar (database versions not stated): gnomAD exomes below 0.00001; gnomAD 0.00001; TOPMed 0.00001; 1000 Genomes Project 30x 0.00016; 1000 Genomes Project 0.00020.

Submission:

Labcorp Genetics (formerly Invitae), Labcorp
Classification: Uncertain significance for Developmental and epileptic encephalopathy, 12. Last evaluated: 2022-09-01. Review status: criteria provided, single submitter. Criteria: Invitae Variant Classification Sherloc (09022015). Collection method: clinical testing. Allele origin: germline.
Comment: This sequence change replaces valine, which is neutral and non-polar, with leucine, which is neutral and non-polar, at codon 4 of the PNKP protein (p.Val4Leu). This variant is not present in population databases (gnomAD no frequency). This variant has not been reported in the literature in individuals affected with PNKP-related conditions. ClinVar contains an entry for this variant (Variation ID: 538879). Algorithms developed to predict the effect of missense changes on protein structure and function output the following: SIFT: "Tolerated"; PolyPhen-2: "Benign"; Align-GVGD: "Class C0". The leucine amino acid residue is found in multiple mammalian species, which suggests that this missense change does not adversely affect protein function. In summary, the available evidence is currently insufficient to determine the role of this variant in disease. Therefore, it has been classified as a Variant of Uncertain Significance.

NM_007254.4(PNKP):c.10G>T (p.Val4Leu)

Gene: PNKP (polynucleotide kinase 3'-phosphatase; minus strand). Cytogenetic location: 19q13.33.
Variant type: single nucleotide variant.
Coding change: c.10G>T on transcript NM_007254.4 (MANE Select); coding-DNA position 10, G replaced by T.
Protein change: p.Val4Leu; replaces valine 4 with leucine.
Molecular consequence: missense variant.
Genome position (GRCh38, 1-based): chr19:49,867,195, C>A on the plus strand (G>T on the coding strand, the complement: PNKP is on the minus strand). VCF-style: chr19-49867195-C-A. GRCh37 (hg19) VCF-style: chr19-50370452-C-A.
Other names: short protein forms V4L.
Identifiers: ClinVar variation 538879 (VCV000538879.9), dbSNP rs530767303, ClinGen allele CA309502616.